The following is an entry in ClinVar:

ClinVar aggregate classification (germline): Benign. Review status: criteria provided, multiple submitters, no conflicts (2 of 4 stars). 7 submissions from 7 submitters: Benign (6). 1 of the submissions does not count toward it. Last evaluated 2026-02-04.

Conditions:
Congenital muscular dystrophy due to integrin alpha-7 deficiency. Also called: Congenital muscular dystrophy with integrin alpha-7 deficiency; MYOPATHY, CONGENITAL, DUE TO INTEGRIN ALPHA-7 DEFICIENCY; Muscular dystrophy, congenital, due to ITGA7 deficiency. Identifiers: Orphanet 34520, MedGen C2750786, MONDO:0013177, OMIM 613204.

Allele frequency attached by ClinVar (database versions not stated): 1000 Genomes Project 30x 0.03435; 1000 Genomes Project 0.03494; TOPMed 0.05207; gnomAD 0.05834; ESP Exome Variant Server 0.05943.
gnomAD v4.1: 110,314 of 1,612,572 alleles (6.8%); highest among the groups gnomAD compares: Middle Eastern, 11%; 4,209 homozygotes.

Submissions (7):

Labcorp Genetics (formerly Invitae), Labcorp
Classification: Benign for Congenital muscular dystrophy due to integrin alpha-7 deficiency. Last evaluated: 2026-02-04. Review status: criteria provided, single submitter. Criteria: Invitae Variant Classification Sherloc (09022015). Collection method: clinical testing. Allele origin: germline.

Mayo Clinic Laboratories, Mayo Clinic
Classification: Benign. Last evaluated: 2017-07-24. Review status: criteria provided, single submitter. Criteria: ACMG Guidelines, 2015. Collection method: clinical testing. Allele origin: germline. Observed: 86 variant alleles.

GeneDx
Classification: Benign. Last evaluated: 2016-01-05. Review status: criteria provided, single submitter. Criteria: GeneDx Variant Classification (06012015). Collection method: clinical testing. Allele origin: germline. Affected: yes.
Comment: This variant is considered likely benign or benign based on one or more of the following criteria: it is a conservative change, it occurs at a poorly conserved position in the protein, it is predicted to be benign by multiple in silico algorithms, and/or has population frequency not consistent with disease.

Eurofins Ntd Llc (ga)
Classification: Benign. Last evaluated: 2012-11-29. Review status: criteria provided, single submitter. Criteria: EGL Classification Definitions 2015. Collection method: clinical testing. Allele origin: germline. Observed: 3 variant alleles, 3 heterozygotes.

Breakthrough Genomics
Classification: Benign. Review status: criteria provided, single submitter. Criteria: ACMG Guidelines, 2015. Collection method: not provided. Allele origin: germline. Inheritance: Autosomal recessive inheritance. Affected: yes.

PreventionGenetics, part of Exact Sciences
Classification: Benign. Review status: criteria provided, single submitter. Criteria: ACMG Guidelines, 2015. Collection method: clinical testing. Allele origin: germline.

Genetic Services Laboratory, University of Chicago
Classification: Likely benign for AllHighlyPenetrant. Review status: no assertion criteria provided. Collection method: clinical testing. Allele origin: germline. Inheritance: Autosomal recessive inheritance. Not counted in ClinVar's aggregate classification.
Comment: Likely benign based on allele frequency in 1000 Genomes Project or ESP global frequency and its presence in a patient with a rare or unrelated disease phenotype. NOT Sanger confirmed.

NM_002206.3(ITGA7):c.810G>A (p.Gly270=)

Gene: ITGA7 (integrin subunit alpha 7; minus strand). Cytogenetic location: 12q13.2.
Variant type: single nucleotide variant.
Coding change: c.810G>A on transcript NM_002206.3 (MANE Select); coding-DNA position 810, G replaced by A.
Protein change: p.Gly270=; no amino-acid change (glycine 270 retained).
Molecular consequence: synonymous variant. On other transcripts: 5 prime UTR variant (1).
Genome position (GRCh38, 1-based): chr12:55,698,898, C>T on the plus strand (G>A on the coding strand, the complement: ITGA7 is on the minus strand). VCF-style: chr12-55698898-C-T. GRCh37 (hg19) VCF-style: chr12-56092682-C-T.
Other names: p.Gly270=; c.822G>A, p.Gly274= (NM_001144996.2, NM_001414029.1, NM_001414030.1); c.531G>A, p.Gly177= (NM_001144997.2); c.483G>A, p.Gly161= (NM_001367993.1); c.-483G>A (NM_001367994.1); c.810G>A, p.Gly270= (NM_001374465.1, NM_001414031.1, NM_001414034.1); c.942G>A, p.Gly314= (NM_001410977.1); c.690G>A, p.Gly230= (NM_001414032.1); and 2 more.
Identifiers: ClinVar variation 94046 (VCV000094046.21), dbSNP rs3847675, ClinGen allele CA147567.
Genomic context (GRCh38, chr12:55,698,898, plus strand): 5'-GTGGTTGGCGCGGGGGGCTCCAGCCACAAAGCTCAGCTCTTCTGCACGCACCAGACCTTT[C>T]CCCGAGTCAATAGAGAAGCCTGGGGGAAGGGTGACTTACCCCTAAGTCTTCACCCCAAGA-3'
Protein context (NP_002197.2, residues 260-280): NSYLGFSIDS[Gly270=]KGLVRAEELS